The following is an entry in ClinVar:

NM_004371.4(COPA):c.2267C>T (p.Ser756Phe)

Gene: COPA (COPI coat complex subunit alpha; minus strand). Cytogenetic location: 1q23.2.
Variant type: single nucleotide variant.
Coding change: c.2267C>T on transcript NM_004371.4 (MANE Select); coding-DNA position 2267, C replaced by T.
Protein change: p.Ser756Phe; replaces serine 756 with phenylalanine.
Molecular consequence: missense variant.
Genome position (GRCh38, 1-based): chr1:160,296,146, G>A on the plus strand (C>T on the coding strand, the complement: COPA is on the minus strand). VCF-style: chr1-160296146-G-A. GRCh37 (hg19) VCF-style: chr1-160265936-G-A.
Other names: c.2294C>T, p.Ser765Phe (NM_001098398.2); short protein forms S756F, S765F.
Identifiers: ClinVar variation 1676385 (VCV001676385.2), dbSNP rs754871731, ClinGen allele CA343276963.
Genomic context (GRCh38, chr1:160,296,146, plus strand): 5'-TCCTTTAGGCTCTCAGCTTCTTCATCTAAGCCATGGGTAGCAGCTGTGAGATAGGCCAGG[G>A]ACTCTGTAGAGAAAACAGACTTTGTGGTATAGGTACATTTCCAAATGCATGCTGCTGTGG-3'
Protein context (NP_004362.2, residues 746-766): VRILKNCGQK[Ser756Phe]LAYLTAATHG

ClinVar aggregate classification (germline): Uncertain significance (1 of 4 stars; one submission).

gnomAD v4.1: 1 of 1,614,040 alleles (0.000062%); highest among the groups gnomAD compares: Middle Eastern, 0.016%; no homozygotes.

Submission:

GeneDx
Classification: Uncertain significance. Last evaluated: 2021-02-12. Review status: criteria provided, single submitter. Criteria: GeneDx Variant Classification Process June 2021. Collection method: clinical testing. Allele origin: germline. Affected: yes.
Comment: Not observed in large population cohorts (gnomAD); In silico analysis supports that this missense variant has a deleterious effect on protein structure/function; Has not been previously published as pathogenic or benign to our knowledge